The following is an entry in ClinVar:

ClinVar aggregate classification (germline): Benign/Likely benign. Review status: criteria provided, multiple submitters, no conflicts (2 of 4 stars). 4 submissions from 4 submitters: Benign (1); Likely benign (2). 1 of the submissions does not count toward it. Last evaluated 2019-01-16.

Conditions:
POLR2A-related disorder. Also called: POLR2A-related condition.

Allele frequency attached by ClinVar (database versions not stated): ExAC 0.13887; 1000 Genomes Project 0.15136; TOPMed 0.17219; ESP Exome Variant Server 0.18116; gnomAD 0.20661 and 0.20928.

Submissions (4):

GeneDx
Classification: Benign. Last evaluated: 2019-01-16. Review status: criteria provided, single submitter. Criteria: GeneDx Variant Classification Process June 2021. Collection method: clinical testing. Allele origin: germline. Affected: yes.

Labcorp Genetics (formerly Invitae), Labcorp
Classification: Likely benign. Last evaluated: 2018-07-31. Review status: criteria provided, single submitter. Criteria: Invitae Variant Classification Sherloc (09022015). Collection method: clinical testing. Allele origin: germline.

Breakthrough Genomics
Classification: Likely benign. Review status: criteria provided, single submitter. Criteria: ACMG Guidelines, 2015. Collection method: not provided. Allele origin: germline. Inheritance: Autosomal dominant inheritance. Affected: yes.

PreventionGenetics, part of Exact Sciences
Classification: Benign for POLR2A-related condition. Last evaluated: 2022-07-07. Review status: no assertion criteria provided. Collection method: clinical testing. Allele origin: germline. Not counted in ClinVar's aggregate classification.
Comment: This variant is classified as benign based on ACMG/AMP sequence variant interpretation guidelines (Richards et al. 2015 PMID: 25741868, with internal and published modifications).

NM_000937.5(POLR2A):c.5016G>A (p.Ser1672=)

Gene: POLR2A (RNA polymerase II subunit A; plus strand). Cytogenetic location: 17p13.1.
Variant type: single nucleotide variant.
Coding change: c.5016G>A on transcript NM_000937.5 (MANE Select); coding-DNA position 5016, G replaced by A.
Protein change: p.Ser1672=; no amino-acid change (serine 1672 retained).
Molecular consequence: synonymous variant.
Genome position (GRCh38, 1-based): chr17:7,513,280, G>A. VCF-style: chr17-7513280-G-A. GRCh37 (hg19) VCF-style: chr17-7416599-G-A.
Identifiers: ClinVar variation 768830 (VCV000768830.8), dbSNP rs55931722, ClinGen allele CA8350473.